The following is an entry in ClinVar:

ClinVar aggregate classification (germline): Uncertain significance (1 of 4 stars; one submission).

gnomAD v4.1: 1 of 1,614,238 alleles (0.000062%); highest among the groups gnomAD compares: Admixed American, 0.0017%; no homozygotes.

Submission:

Women's Health and Genetics/Laboratory Corporation of America, LabCorp
Classification: Uncertain significance. Last evaluated: 2025-07-28. Review status: criteria provided, single submitter. Criteria: LabCorp Variant Classification Summary - May 2015. Collection method: clinical testing. Allele origin: germline.
Comment: Variant summary: CTLA4 c.185C>T (p.Ser62Phe) results in a non-conservative amino acid change in the encoded protein sequence. Algorithms developed to predict the effect of missense changes on protein structure and function are either unavailable or do not agree on the potential impact of this missense change. The variant was absent in 251330 control chromosomes. The available data on variant occurrences in the general population are insufficient to allow any conclusion about variant significance. To our knowledge, no occurrence of c.185C>T in individuals affected with Autoimmune Lymphoproliferative Syndrome Due To CTLA4 Haploinsufficiency and no experimental evidence demonstrating its impact on protein function have been reported. No submitters have cited clinical-significance assessments for this variant to ClinVar. Based on the evidence outlined above, the variant was classified as uncertain significance.

NM_005214.5(CTLA4):c.185C>T (p.Ser62Phe)

Gene: CTLA4 (cytotoxic T-lymphocyte associated protein 4; plus strand). Cytogenetic location: 2q33.2.
Variant type: single nucleotide variant.
Coding change: c.185C>T on transcript NM_005214.5 (MANE Select); coding-DNA position 185, C replaced by T.
Protein change: p.Ser62Phe; replaces serine 62 with phenylalanine.
Molecular consequence: missense variant.
Genome position (GRCh38, 1-based): chr2:203,870,661, C>T. VCF-style: chr2-203870661-C-T. GRCh37 (hg19) VCF-style: chr2-204735384-C-T.
Other names: c.185C>T, p.Ser62Phe (NM_001037631.3); short protein forms S62F.
Identifiers: ClinVar variation 4526173 (VCV004526173.1).